The following is an entry in ClinVar:

ClinVar aggregate classification (germline): Likely pathogenic (1 of 4 stars; one submission).

Conditions:
DGUOK-related disorder. Also called: DGUOK-related condition.

Submission:

PreventionGenetics, part of Exact Sciences
Classification: Likely pathogenic for DGUOK-related condition. Last evaluated: 2026-04-06. Review status: criteria provided, single submitter. Criteria: ACMG Guidelines, 2015. Collection method: clinical testing. Allele origin: germline.
Comment: The DGUOK c.295_304delinsCC variant is predicted to result in a frameshift and premature protein termination (p.Met99Profs*27). To our knowledge, this variant has not been reported in the literature or in a large population database (gnomAD), indicating this variant is rare. Frameshift variants in DGUOK are expected to be pathogenic. This variant is interpreted as likely pathogenic.

NM_080916.3(DGUOK):c.295_304delinsCC (p.Met99fs)

Gene: DGUOK (deoxyguanosine kinase; plus strand). Cytogenetic location: 2p13.1.
Variant type: Indel.
Coding change: c.295_304delinsCC on transcript NM_080916.3 (MANE Select); coding-DNA positions 295 to 304, ATGTACCGGG replaced by CC.
Protein change: p.Met99fs; shifts the reading frame from methionine 99.
Molecular consequence: frameshift variant. On other transcripts: non-coding transcript variant (5).
Genome position (GRCh38, 1-based): chr2:73,946,758-73,946,767, ATGTACCGGG replaced by CC. VCF-style: chr2-73946758-ATGTACCGGG-CC. GRCh37 (hg19) VCF-style: chr2-74173885-ATGTACCGGG-CC.
Other names: c.295_304delinsCC, p.Met99fs (NM_001318859.2, NM_080918.3); c.4_13delinsCC, p.Met2fs (NM_001318860.2, NM_001318861.2, NM_001318862.2 and 1 more transcripts); short protein forms M99fs, M2fs.
Identifiers: ClinVar variation 4993130 (VCV004993130.1).